The following is an entry in ClinVar:

ClinVar aggregate classification (germline): Uncertain significance (1 of 4 stars; one submission).

Conditions:
Hereditary cancer-predisposing syndrome. Also called: Neoplastic Syndromes, Hereditary; Tumor predisposition; Hereditary neoplastic syndrome; Hereditary Cancer Syndrome. Identifiers: Orphanet 140162, MedGen C0027672, MeSH D009386, MONDO:0015356.

Submission:

Ambry Genetics
Classification: Uncertain significance for Hereditary cancer-predisposing syndrome. Last evaluated: 2026-07-13. Review status: criteria provided, single submitter. Criteria: Ambry Variant Classification Scheme 2023. Collection method: clinical testing. Allele origin: germline.
Comment: The p.E622Q variant (also known as c.1864G>C), located in coding exon 13 of the MSH3 gene, results from a G to C substitution at nucleotide position 1864. The glutamic acid at codon 622 is replaced by glutamine, an amino acid with highly similar properties. This amino acid position is conserved. In addition, the in silico prediction for this alteration is inconclusive. Based on the available evidence, the clinical significance of this variant remains unclear.

NM_002439.5(MSH3):c.1864G>C (p.Glu622Gln)

Gene: MSH3 (mutS homolog 3; plus strand). Cytogenetic location: 5q14.1.
Variant type: single nucleotide variant.
Coding change: c.1864G>C on transcript NM_002439.5 (MANE Select); coding-DNA position 1864, G replaced by C.
Protein change: p.Glu622Gln; replaces glutamic acid 622 with glutamine.
Molecular consequence: missense variant.
Genome position (GRCh38, 1-based): chr5:80,761,646, G>C. VCF-style: chr5-80761646-G-C. GRCh37 (hg19) VCF-style: chr5-80057465-G-C.
Other names: short protein forms E622Q.
Identifiers: ClinVar variation 5024805 (VCV005024805.1).
Genomic context (GRCh38, chr5:80,761,646, plus strand): 5'-CATTCAGAATCTAGTGTGTTTGGTCAGATAGAAAATCATCTACGTAAATTGCCCGACATA[G>C]AGAGGGGACTCTGTAGCATTTATCACAAAAAAGTAAGTGTGATAGAAATCTATTAAAGCT-3'
Protein context (NP_002430.3, residues 612-632): ENHLRKLPDI[Glu622Gln]RGLCSIYHKK